The following is an entry in ClinVar:

ClinVar aggregate classification (germline): Uncertain significance. Review status: criteria provided, multiple submitters, no conflicts (2 of 4 stars). 4 submissions from 4 submitters: Uncertain significance (4). Last evaluated 2025-12-10.

Conditions:
Hereditary leiomyomatosis and renal cell cancer. Also called: Familial leiomyomatosis; MULTIPLE CUTANEOUS AND UTERINE LEIOMYOMATA 1, WITH OR WITHOUT RENAL CELL CARCINOMA; Multiple cutaneous leiomyomas; Reed syndrome; Multiple cutaneous and uterine leiomyomatosis; Cutaneous leiomyomata with uterine leiomyomata. Identifiers: Orphanet 523, MedGen C1708350, MONDO:0007888, OMIM 150800, HP:0007437. Disease mechanism: loss of function.
Fumarase deficiency (FMRD). Also called: Fumarate Hydratase Deficiency; Fumaric aciduria. Identifiers: Orphanet 24, MedGen C0342770, MONDO:0011730, OMIM 606812.
Hereditary cancer-predisposing syndrome. Also called: Tumor predisposition; Hereditary neoplastic syndrome; Neoplastic Syndromes, Hereditary; Hereditary Cancer Syndrome. Identifiers: Orphanet 140162, MedGen C0027672, MeSH D009386, MONDO:0015356.

Allele frequency attached by ClinVar (database versions not stated): gnomAD exomes below 0.00001.
gnomAD v4.1: 1 of 1,613,840 alleles (0.000062%); highest among the groups gnomAD compares: Non-Finnish European, 0.000085%; no homozygotes.

Submissions (4):

Labcorp Genetics (formerly Invitae), Labcorp
Classification: Uncertain significance. Last evaluated: 2025-12-10. Review status: criteria provided, single submitter. Criteria: Invitae Variant Classification Sherloc (09022015). Collection method: clinical testing. Allele origin: germline.
Comment: This sequence change replaces alanine, which is neutral and non-polar, with glycine, which is neutral and non-polar, at codon 198 of the FH protein (p.Ala198Gly). This variant is present in population databases (no rsID available, gnomAD 0.0009%). This variant has not been reported in the literature in individuals affected with FH-related conditions. ClinVar contains an entry for this variant (Variation ID: 480825). Invitae Evidence Modeling of protein sequence and biophysical properties (such as structural, functional, and spatial information, amino acid conservation, physicochemical variation, residue mobility, and thermodynamic stability) indicates that this missense variant is expected to disrupt FH protein function with a positive predictive value of 95%. In summary, the available evidence is currently insufficient to determine the role of this variant in disease. Therefore, it has been classified as a Variant of Uncertain Significance.

Ambry Genetics
Classification: Uncertain significance for Hereditary cancer-predisposing syndrome. Last evaluated: 2025-03-28. Review status: criteria provided, single submitter. Criteria: Ambry Variant Classification Scheme 2023. Collection method: clinical testing. Allele origin: germline.
Comment: The p.A198G variant (also known as c.593C>G), located in coding exon 5 of the FH gene, results from a C to G substitution at nucleotide position 593. The alanine at codon 198 is replaced by glycine, an amino acid with similar properties. This amino acid position is highly conserved in available vertebrate species. In addition, this alteration is predicted to be deleterious by in silico analysis. Based on the available evidence, the clinical significance of this variant remains unclear.

Fulgent Genetics
Classification: Uncertain significance for Hereditary leiomyomatosis and renal cell cancer; Fumarase deficiency. Last evaluated: 2024-01-11. Review status: criteria provided, single submitter. Criteria: ACMG Guidelines, 2015. Collection method: clinical testing. Allele origin: germline.

GeneDx
Classification: Uncertain significance. Last evaluated: 2022-08-11. Review status: criteria provided, single submitter. Criteria: GeneDx Variant Classification Process June 2021. Collection method: clinical testing. Allele origin: germline. Affected: yes.
Comment: Not observed at significant frequency in large population cohorts (gnomAD); In silico analysis supports that this missense variant has a deleterious effect on protein structure/function; Has not been previously published as pathogenic or benign to our knowledge

NM_000143.4(FH):c.593C>G (p.Ala198Gly)

Gene: FH (fumarate hydratase; minus strand). Cytogenetic location: 1q43.
Variant type: single nucleotide variant.
Coding change: c.593C>G on transcript NM_000143.4 (MANE Select); coding-DNA position 593, C replaced by G.
Protein change: p.Ala198Gly; replaces alanine 198 with glycine.
Molecular consequence: missense variant.
Genome position (GRCh38, 1-based): chr1:241,508,748, G>C on the plus strand (C>G on the coding strand, the complement: FH is on the minus strand). VCF-style: chr1-241508748-G-C. GRCh37 (hg19) VCF-style: chr1-241672048-G-C.
Other names: short protein forms A198G.
Identifiers: ClinVar variation 480825 (VCV000480825.16), dbSNP rs1414507017, ClinGen allele CA345439430.